The following is an entry in ClinVar:

ClinVar aggregate classification (germline): Likely benign (1 of 4 stars; one submission).

Submission:

Women's Health and Genetics/Laboratory Corporation of America, LabCorp
Classification: Likely benign. Last evaluated: 2026-01-28. Review status: criteria provided, single submitter. Criteria: LabCorp Variant Classification Summary - May 2015. Collection method: clinical testing. Allele origin: germline.
Comment: Variant summary: LRP5 c.1584+23delT is located at a position not widely known to affect splicing. Consensus agreement among computation tools predict no significant impact on normal splicing. However, these predictions have yet to be confirmed by functional studies. The variant was absent in 243600 control chromosomes. The available data on variant occurrences in the general population are insufficient to allow any conclusion about variant significance. To our knowledge, no occurrence of c.1584+23delT in individuals affected with LRP5-related conditions and no experimental evidence demonstrating its impact on protein function have been reported. No submitters have cited clinical-significance assessments for this variant to ClinVar. Based on the evidence outlined above, the variant was classified as likely benign.

NM_002335.4(LRP5):c.1584+23del

Gene: LRP5 (LDL receptor related protein 5; plus strand). Cytogenetic location: 11q13.2.
Variant type: Deletion.
Coding change: c.1584+23del on transcript NM_002335.4 (MANE Select); 23 bases into the intron after coding-DNA position 1584, one base deleted (T; older notation c.1584+23delT).
Molecular consequence: intron variant.
Genome position (GRCh38, 1-based): chr11:68,390,075, T deleted; the last of 3 consecutive T bases (chr11:68,390,073-68,390,075); deleting any one gives the same sequence. VCF-style (leftmost placement, unchanged base first): chr11-68390072-GT-G. GRCh37 (hg19) VCF-style: chr11-68157540-GT-G.
Other names: c.-354+3363del (NM_001291902.2); c.1584+23delT (NM_002335.4).
Identifiers: ClinVar variation 4689137 (VCV004689137.1).